The following is an entry in ClinVar:

ClinVar aggregate classification (germline): Uncertain significance (1 of 4 stars; one submission).

Conditions:
Congenital myasthenic syndrome 8. Also called: MYASTHENIC SYNDROME, CONGENITAL, DUE TO AGRIN DEFICIENCY; Myasthenic syndrome, congenital, 8, with pre- and postsynaptic defects. Identifiers: Orphanet 590, MedGen C3808739, MONDO:0014052, OMIM 615120.

Allele frequency attached by ClinVar (database versions not stated): gnomAD exomes below 0.00001 and 0.00001; gnomAD 0.00002 and 0.00003; TOPMed 0.00002; ExAC 0.00003; 1000 Genomes Project 30x 0.00031.
gnomAD v4.1: 12 of 1,605,920 alleles (0.00075%); highest among the groups gnomAD compares: African/African-American, 0.015%; no homozygotes.

Submission:

Labcorp Genetics (formerly Invitae), Labcorp
Classification: Uncertain significance for Congenital myasthenic syndrome 8. Last evaluated: 2021-09-01. Review status: criteria provided, single submitter. Criteria: Invitae Variant Classification Sherloc (09022015). Collection method: clinical testing. Allele origin: germline.
Comment: This sequence change replaces histidine with arginine at codon 1244 of the AGRN protein (p.His1244Arg). The histidine residue is moderately conserved and there is a small physicochemical difference between histidine and arginine. This variant is present in population databases (rs759452317, ExAC 0.04%). This variant has not been reported in the literature in individuals affected with AGRN-related conditions. Algorithms developed to predict the effect of missense changes on protein structure and function are either unavailable or do not agree on the potential impact of this missense change (SIFT: "Deleterious"; PolyPhen-2: "Possibly Damaging"; Align-GVGD: "Class C0"). In summary, the available evidence is currently insufficient to determine the role of this variant in disease. Therefore, it has been classified as a Variant of Uncertain Significance.

NM_198576.4(AGRN):c.3731A>G (p.His1244Arg)

Gene: AGRN (agrin; plus strand). Cytogenetic location: 1p36.33.
Variant type: single nucleotide variant.
Coding change: c.3731A>G on transcript NM_198576.4 (MANE Select); coding-DNA position 3731, A replaced by G.
Protein change: p.His1244Arg; replaces histidine 1244 with arginine.
Molecular consequence: missense variant.
Genome position (GRCh38, 1-based): chr1:1,047,875, A>G. VCF-style: chr1-1047875-A-G. GRCh37 (hg19) VCF-style: chr1-983255-A-G.
Other names: c.3731A>G, p.His1244Arg (NM_001305275.2); c.3416A>G, p.His1139Arg (NM_001364727.2); short protein forms H1139R, H1244R.
Identifiers: ClinVar variation 1389161 (VCV001389161.5), dbSNP rs759452317, ClinGen allele CA509202.
Genomic context (GRCh38, chr1:1,047,875, plus strand): 5'-TCCGGCAGATCCAGGTGTCCAGGCGCCGGTCCTTGGGGGTGAGGCGGCCGCTGCAGGAGC[A>G]CGTGCGATTTATGGACTTTGGTGAGCGCCAGGCCACGAGCCACAGCTTACCTGCCCCCTC-3'
Protein context (NP_940978.2, residues 1234-1254): SLGVRRPLQE[His1244Arg]VRFMDFDWFP